The following is an entry in ClinVar:

ClinVar aggregate classification (germline): Likely pathogenic. Review status: criteria provided, multiple submitters, no conflicts (2 of 4 stars). 2 submissions from 2 submitters: Likely pathogenic (2). Last evaluated 2026-01-19.

Conditions:
Hermansky-Pudlak syndrome 1 (HPS1). Also called: DELTA STORAGE POOL DISEASE. Identifiers: Orphanet 231500, Orphanet 79430, MedGen C2931875, MONDO:0008748, OMIM 203300.

Submissions (2):

Labcorp Genetics (formerly Invitae), Labcorp
Classification: Likely pathogenic. Last evaluated: 2026-01-19. Review status: criteria provided, single submitter. Criteria: Invitae Variant Classification Sherloc (09022015). Collection method: clinical testing. Allele origin: germline.
Comment: This variant results in the deletion of part of exon 9 (c.769-14_834del) of the HPS1 gene. It is expected to disrupt RNA splicing. Variants that disrupt the donor or acceptor splice site typically lead to a loss of protein function (PMID: 16199547), and loss-of-function variants in HPS1 are known to be pathogenic (PMID: 12442288, 16185271). This variant is not present in population databases (gnomAD no frequency). This variant has not been reported in the literature in individuals affected with HPS1-related conditions. ClinVar contains an entry for this variant (Variation ID: 2998574). In summary, the currently available evidence indicates that the variant is pathogenic, but additional data are needed to prove that conclusively. Therefore, this variant has been classified as Likely Pathogenic.

Baylor Genetics
Classification: Likely pathogenic for Hermansky-Pudlak syndrome 1. Last evaluated: 2023-11-10. Review status: criteria provided, single submitter. Criteria: ACMG Guidelines, 2015. Collection method: clinical testing. Allele origin: unknown.

Literature cited by the submitters: PubMed 16199547 (cited by Labcorp Genetics (formerly Invitae), Labcorp); PubMed 12442288 (cited by Labcorp Genetics (formerly Invitae), Labcorp); PubMed 16185271 (cited by Labcorp Genetics (formerly Invitae), Labcorp).

NM_000195.5(HPS1):c.769-14_834del

Gene: HPS1 (HPS1 biogenesis of lysosomal organelles complex 3 subunit 1; minus strand). Cytogenetic location: 10q24.2.
Variant type: Deletion.
Coding change: c.769-14_834del on transcript NM_000195.5 (MANE Select); 14 bases into the intron before coding-DNA position 769 through coding-DNA position 834, 80 bases deleted.
Molecular consequence: splice acceptor variant. On other transcripts: intron variant (8).
Genome position (GRCh38, 1-based): chr10:98,429,824-98,429,903, 80 bases deleted. GRCh37 (hg19): chr10:100,189,585-100,189,664.
Other names: c.400-14_465del (NM_001322483.2, NM_001322484.2); c.508-14_573del (NM_001322480.2, NM_001322481.2); c.769-261_769-182del (NM_001322478.2, NM_001322479.2, NM_001322491.2); c.769-14_834del (NM_001322476.2, NM_001322477.2, NM_182639.4); c.400-261_400-182del (NM_001322485.2); c.508-261_508-182del (NM_001322482.2); c.-105-261_-105-182del (NM_001322489.2, NM_001311345.2); c.-204-14_-139del (NM_001322487.2); and 2 more.
Identifiers: ClinVar variation 2998574 (VCV002998574.4), dbSNP rs2538903848, ClinGen allele CA2740093496.